The following is an entry in ClinVar:

ClinVar aggregate classification (germline): Likely benign (1 of 4 stars; one submission).

gnomAD v4.1: 12 of 1,613,930 alleles (0.00074%); highest among the groups gnomAD compares: Non-Finnish European, 0.00093%; no homozygotes.

Submission:

CeGaT Center for Human Genetics Tuebingen
Classification: Likely benign. Last evaluated: 2025-09-01. Review status: criteria provided, single submitter. Criteria: CeGaT Center For Human Genetics Tuebingen Variant Classification Criteria Version 2. Collection method: clinical testing. Allele origin: germline. Affected: yes. Observed: 1 variant allele.
Comment: KAT6B: BP4

NM_012330.4(KAT6B):c.2852G>A (p.Arg951Lys)

Gene: KAT6B (lysine acetyltransferase 6B; plus strand). Cytogenetic location: 10q22.2.
Variant type: single nucleotide variant.
Coding change: c.2852G>A on transcript NM_012330.4 (MANE Select); coding-DNA position 2852, G replaced by A.
Protein change: p.Arg951Lys; replaces arginine 951 with lysine.
Molecular consequence: missense variant.
Genome position (GRCh38, 1-based): chr10:75,020,804, G>A. VCF-style: chr10-75020804-G-A. GRCh37 (hg19) VCF-style: chr10-76780562-G-A.
Other names: c.2303G>A, p.Arg768Lys (NM_001256468.2, NM_001370138.1); c.1976G>A, p.Arg659Lys (NM_001256469.2, NM_001370139.1, NM_001370140.1 and 2 more transcripts); c.1814G>A, p.Arg605Lys (NM_001370132.1); c.1163G>A, p.Arg388Lys (NM_001370133.1); c.767G>A, p.Arg256Lys (NM_001370134.1); c.509G>A, p.Arg170Lys (NM_001370135.1); c.2852G>A, p.Arg951Lys (NM_001370136.1, NM_001370137.1); c.1787G>A, p.Arg596Lys (NM_001370143.1, NM_001370144.1); short protein forms R170K, R256K, R388K, R596K, R605K, R659K, R768K, R951K.
Identifiers: ClinVar variation 4281197 (VCV004281197.7).